The following is an entry in ClinVar:

NM_001009944.3(PKD1):c.2462T>C (p.Val821Ala)

Gene: PKD1 (polycystin 1, transient receptor potential channel interacting; minus strand). Cytogenetic location: 16p13.3.
Variant type: single nucleotide variant.
Coding change: c.2462T>C on transcript NM_001009944.3 (MANE Select); coding-DNA position 2462, T replaced by C.
Protein change: p.Val821Ala; replaces valine 821 with alanine.
Molecular consequence: missense variant.
Genome position (GRCh38, 1-based): chr16:2,114,561, A>G on the plus strand (T>C on the coding strand, the complement: PKD1 is on the minus strand). VCF-style: chr16-2114561-A-G. GRCh37 (hg19) VCF-style: chr16-2164562-A-G.
Other names: c.2462T>C, p.Val821Ala (NM_000296.4); c.2462T>C (NM_001009944.2, NM_000296.3); short protein forms V821A.
Identifiers: ClinVar variation 811785 (VCV000811785.12), dbSNP rs766549097, ClinGen allele CA7833208.

ClinVar aggregate classification (germline): Uncertain significance. Review status: criteria provided, multiple submitters, no conflicts (2 of 4 stars). 4 submissions from 4 submitters: Uncertain significance (4). Last evaluated 2024-11-20.

Conditions:
Inborn genetic diseases. Identifiers: MedGen C0950123, MeSH D030342.
Polycystic kidney disease, adult type (PKD1). Also called: POLYCYSTIC KIDNEY DISEASE 1 WITH OR WITHOUT POLYCYSTIC LIVER DISEASE; POLYCYSTIC KIDNEY DISEASE, ADULT, TYPE I; Polycystic Kidney, Autosomal Dominant; Polycystic Kidney Disease 1, Autosomal Dominant; Polycystic kidney disease 1; Polycystic kidney disease 1, severe. Identifiers: MedGen C3149841, MONDO:0008263, OMIM 173900.

Allele frequency attached by ClinVar (database versions not stated): gnomAD exomes 0.00001; ExAC 0.00003; gnomAD 0.00008; TOPMed 0.00009.
gnomAD v4.1: 21 of 1,594,474 alleles (0.0013%); highest among the groups gnomAD compares: African/African-American, 0.013%; no homozygotes.

Submissions (4):

Ambry Genetics
Classification: Uncertain significance for Inborn genetic diseases. Last evaluated: 2024-11-20. Review status: criteria provided, single submitter. Criteria: Ambry Variant Classification Scheme 2023. Collection method: clinical testing. Allele origin: germline.

Fulgent Genetics
Classification: Uncertain significance for Polycystic kidney disease, adult type. Last evaluated: 2024-05-21. Review status: criteria provided, single submitter. Criteria: ACMG Guidelines, 2015. Collection method: clinical testing. Allele origin: germline.

GeneDx
Classification: Uncertain significance. Last evaluated: 2023-02-16. Review status: criteria provided, single submitter. Criteria: GeneDx Variant Classification Process June 2021. Collection method: clinical testing. Allele origin: germline. Affected: yes.
Comment: In silico analysis supports that this missense variant does not alter protein structure/function; Has not been previously published as pathogenic or benign to our knowledge

ARUP Laboratories, Molecular Genetics and Genomics, ARUP Laboratories
Classification: Uncertain significance for Polycystic kidney disease, adult type. Last evaluated: 2018-09-25. Review status: criteria provided, single submitter. Criteria: ARUP Molecular Germline Variant Investigation Process. Collection method: clinical testing. Allele origin: germline.
Comment: The PKD1 c.2462T>C; p.Val821Ala variant (rs766549097), to our knowledge, is not reported in the medical literature or gene specific databases. This variant is found on five chromosomes in the Genome Aggregation Database, indicating it is not a common polymorphism. The valine at codon 821 is moderately conserved, but computational analyses (SIFT: damaging, PolyPhen-2: benign) predict conflicting effects of this variant on protein structure/function. Due to limited information, the clinical significance of the p.Val821Ala variant is uncertain at this time.